The following is an entry in ClinVar:

ClinVar aggregate classification (germline): Benign/Likely benign (0 of 4 stars; one submission).

Submission:

ISCA Site 6
Classification: Benign/Likely benign. Review status: no assertion criteria provided. Collection method: clinical testing. Allele origin: unknown. Affected: yes. Observed: 5 variant alleles. Clinical features observed: Developmental delay AND/OR other significant developmental or morphological phenotypes.
Comment: Likely benign (3), Benign (2)

Copy number variation identified through the course of routine clinical cytogenomic testing in postnatal populations, with clinical assertions as classified by the original submitter. For data from the original published study, Kaminsky, et al. 2011 (PubMed 21844811), please see nstd101.

GRCh37/hg19 17p13.2(chr17:3505485-3558334)x1

Genes: CTNS (cystinosin, lysosomal cystine transporter; plus strand), SHPK (sedoheptulokinase; minus strand), TRPV1 (transient receptor potential cation channel subfamily V member 1; minus strand). Cytogenetic location: 17p13.2.
Variant type: copy number loss.
Change: copy number 1 (one copy instead of two) of chr17:3,505,485-3,558,334 (52.9 kb, GRCh37 coordinates, 1-based), cytogenetic band 17p13.2.
Identifiers: ClinVar variation 393927 (VCV000393927.3).